The following is an entry in ClinVar:

NM_015103.3(PLXND1):c.4086+8C>T

Gene: PLXND1 (plexin D1; minus strand). Cytogenetic location: 3q22.1.
Variant type: single nucleotide variant.
Coding change: c.4086+8C>T on transcript NM_015103.3 (MANE Select); 8 bases into the intron after coding-DNA position 4086, C replaced by T.
Molecular consequence: intron variant.
Genome position (GRCh38, 1-based): chr3:129,567,484, G>A on the plus strand (C>T on the coding strand, the complement: PLXND1 is on the minus strand). VCF-style: chr3-129567484-G-A. GRCh37 (hg19) VCF-style: chr3-129286327-G-A.
Other names: c.4086+8C>T (NM_015103.2).
Identifiers: ClinVar variation 2654127 (VCV002654127.25), dbSNP rs73204258, ClinGen allele CA2608363.

ClinVar aggregate classification (germline): Benign. Review status: criteria provided, single submitter (1 of 4 stars). 2 submissions from 2 submitters: Benign (1). 1 of the submissions does not count toward it. Last evaluated 2026-03-01.

Conditions:
PLXND1-related disorder. Also called: PLXND1-related condition.

Allele frequency attached by ClinVar (database versions not stated): 1000 Genomes Project 0.00280; 1000 Genomes Project 30x 0.00328; ESP Exome Variant Server 0.00838.
gnomAD v4.1: 16,027 of 1,543,688 alleles (1%); highest among the groups gnomAD compares: Middle Eastern, 1.4%; 103 homozygotes.

Submissions (2):

CeGaT Center for Human Genetics Tuebingen
Classification: Benign. Last evaluated: 2026-03-01. Review status: criteria provided, single submitter. Criteria: CeGaT Center For Human Genetics Tuebingen Variant Classification Criteria Version 2. Collection method: clinical testing. Allele origin: germline. Affected: yes. Observed: 5 variant alleles.
Comment: PLXND1: BP4, BS1, BS2

PreventionGenetics, part of Exact Sciences
Classification: Benign for PLXND1-related condition. Last evaluated: 2019-02-22. Review status: no assertion criteria provided. Collection method: clinical testing. Allele origin: germline. Not counted in ClinVar's aggregate classification.
Comment: This variant is classified as benign based on ACMG/AMP sequence variant interpretation guidelines (Richards et al. 2015 PMID: 25741868, with internal and published modifications).